The following is an entry in ClinVar:

NM_014714.4(IFT140):c.2692G>A (p.Val898Met)

Gene: IFT140 (intraflagellar transport 140; minus strand). Cytogenetic location: 16p13.3.
Variant type: single nucleotide variant.
Coding change: c.2692G>A on transcript NM_014714.4 (MANE Select); coding-DNA position 2692, G replaced by A.
Protein change: p.Val898Met; replaces valine 898 with methionine.
Molecular consequence: missense variant.
Genome position (GRCh38, 1-based): chr16:1,525,963, C>T on the plus strand (G>A on the coding strand, the complement: IFT140 is on the minus strand). VCF-style: chr16-1525963-C-T. GRCh37 (hg19) VCF-style: chr16-1575964-C-T.
Other names: short protein forms V898M.
Identifiers: ClinVar variation 885576 (VCV000885576.15), dbSNP rs369457143, ClinGen allele CA7813527.

ClinVar aggregate classification (germline): Conflicting classifications of pathogenicity. Review status: criteria provided, conflicting classifications (1 of 4 stars). 5 submissions from 5 submitters: Uncertain significance (3); Likely benign (2). Last evaluated 2025-12-30.

Conditions:
Saldino-Mainzer syndrome (SRTD9). Also called: Renal dysplasia, retinal pigmentary dystrophy, cerebellar ataxia and skeletal dysplasia; SHORT-RIB THORACIC DYSPLASIA 9 WITHOUT POLYDACTYLY; short-rib thoracic dysplasia 9 with or without polydactyly; CONORENAL SYNDROME. Identifiers: Orphanet 140969, MedGen C1849437, MONDO:0009964, OMIM 266920.
Retinitis pigmentosa 80 (RP80). Identifiers: MedGen C4540439, MONDO:0054708, OMIM 617781.
IFT140-related disorder. Also called: IFT140-related condition.

Allele frequency attached by ClinVar (database versions not stated): gnomAD 0.00003; TOPMed 0.00003; ESP Exome Variant Server 0.00008; ExAC 0.00028.
gnomAD v4.1: 165 of 1,584,794 alleles (0.01%); highest among the groups gnomAD compares: Middle Eastern, 0.16%; 4 homozygotes.

Submissions (5):

Labcorp Genetics (formerly Invitae), Labcorp
Classification: Likely benign for Saldino-Mainzer syndrome. Last evaluated: 2025-12-30. Review status: criteria provided, single submitter. Criteria: Invitae Variant Classification Sherloc (09022015). Collection method: clinical testing. Allele origin: germline.

PreventionGenetics, part of Exact Sciences
Classification: Likely benign for IFT140-related condition. Last evaluated: 2025-09-10. Review status: criteria provided, single submitter. Criteria: ACMG Guidelines, 2015. Collection method: clinical testing. Allele origin: germline.
Comment: This variant is classified as likely benign based on ACMG/AMP sequence variant interpretation guidelines (Richards et al. 2015 PMID: 25741868, with internal and published modifications).

Blueprint Genetics
Classification: Uncertain significance. Last evaluated: 2024-11-25. Review status: criteria provided, single submitter. Criteria: ACMG Guidelines, 2015. Collection method: clinical testing. Allele origin: germline.

Fulgent Genetics
Classification: Uncertain significance for Saldino-Mainzer syndrome; Retinitis pigmentosa 80. Last evaluated: 2024-02-07. Review status: criteria provided, single submitter. Criteria: ACMG Guidelines, 2015. Collection method: clinical testing. Allele origin: germline.

Illumina Laboratory Services, Illumina
Classification: Uncertain significance for Saldino-Mainzer syndrome. Last evaluated: 2018-01-12. Review status: criteria provided, single submitter. Criteria: ICSL Variant Classification Criteria 13 December 2019. Collection method: clinical testing. Allele origin: germline.